The following is an entry in ClinVar:

NM_033100.4(CDHR1):c.1877C>T (p.Thr626Met)

Gene: CDHR1 (cadherin related family member 1; plus strand). Cytogenetic location: 10q23.1.
Variant type: single nucleotide variant.
Coding change: c.1877C>T on transcript NM_033100.4 (MANE Select); coding-DNA position 1877, C replaced by T.
Protein change: p.Thr626Met; replaces threonine 626 with methionine.
Molecular consequence: missense variant.
Genome position (GRCh38, 1-based): chr10:84,213,185, C>T. VCF-style: chr10-84213185-C-T. GRCh37 (hg19) VCF-style: chr10-85972941-C-T.
Other names: c.1877C>T, p.Thr626Met (NM_001171971.3); short protein forms T626M.
Identifiers: ClinVar variation 194678 (VCV000194678.14), dbSNP rs143024855, ClinGen allele CA240786.

ClinVar aggregate classification (germline): Uncertain significance. Review status: criteria provided, multiple submitters, no conflicts (2 of 4 stars). 2 submissions from 2 submitters: Uncertain significance (2). Last evaluated 2023-07-03.

Allele frequency attached by ClinVar (database versions not stated): TOPMed 0.00002.
gnomAD v4.1: 88 of 1,614,130 alleles (0.0055%); highest among the groups gnomAD compares: East Asian, 0.011%; no homozygotes.

Submissions (2):

Labcorp Genetics (formerly Invitae), Labcorp
Classification: Uncertain significance. Last evaluated: 2023-07-03. Review status: criteria provided, single submitter. Criteria: Invitae Variant Classification Sherloc (09022015). Collection method: clinical testing. Allele origin: germline.
Comment: This sequence change replaces threonine, which is neutral and polar, with methionine, which is neutral and non-polar, at codon 626 of the CDHR1 protein (p.Thr626Met). This variant is present in population databases (rs143024855, gnomAD 0.006%). In summary, the available evidence is currently insufficient to determine the role of this variant in disease. Therefore, it has been classified as a Variant of Uncertain Significance. Advanced modeling of protein sequence and biophysical properties (such as structural, functional, and spatial information, amino acid conservation, physicochemical variation, residue mobility, and thermodynamic stability) performed at Invitae indicates that this missense variant is expected to disrupt CDHR1 protein function. ClinVar contains an entry for this variant (Variation ID: 194678). This variant has not been reported in the literature in individuals affected with CDHR1-related conditions.

Eurofins Ntd Llc (ga)
Classification: Uncertain significance. Last evaluated: 2015-04-28. Review status: criteria provided, single submitter. Criteria: EGL Classification Definitions 2015. Collection method: clinical testing. Allele origin: germline. Observed: 1 variant allele, 1 heterozygote.